The following is an entry in ClinVar:

NM_001127208.3(TET2):c.2671del (p.Gln891fs)

Genes: TET2 (tet methylcytosine dioxygenase 2; plus strand), TET2-AS1 (TET2 antisense RNA 1; minus strand). Cytogenetic location: 4q24.
Variant type: Deletion.
Coding change: c.2671del on transcript NM_001127208.3 (MANE Select); coding-DNA position 2671, one base deleted (C; older notation c.2671delC).
Protein change: p.Gln891fs; shifts the reading frame from glutamine 891.
Molecular consequence: frameshift variant.
Genome position (GRCh38, 1-based): chr4:105,236,613, C deleted. VCF-style (leftmost placement, unchanged base first): chr4-105236612-AC-A. GRCh37 (hg19) VCF-style: chr4-106157769-AC-A.
Other names: c.2671del, p.Gln891fs (NM_017628.4); short protein forms Q891fs.
Identifiers: ClinVar variation 2854757 (VCV002854757.3), dbSNP rs2476502798, ClinGen allele CA645522432.

ClinVar aggregate classification (germline): Pathogenic (1 of 4 stars; one submission).

Allele frequency attached by ClinVar (database versions not stated): gnomAD exomes below 0.00001.

Submission:

Labcorp Genetics (formerly Invitae), Labcorp
Classification: Pathogenic. Last evaluated: 2023-05-10. Review status: criteria provided, single submitter. Criteria: Invitae Variant Classification Sherloc (09022015). Collection method: clinical testing. Allele origin: germline.
Comment: For these reasons, this variant has been classified as Pathogenic. This sequence change creates a premature translational stop signal (p.Gln891Asnfs*30) in the TET2 gene. It is expected to result in an absent or disrupted protein product. Loss-of-function variants in TET2 are known to be pathogenic (PMID: 36066697). This variant is not present in population databases (gnomAD no frequency). This variant has not been reported in the literature in individuals affected with TET2-related conditions.

Literature cited by the submitters: PubMed 36066697.